The following is an entry in ClinVar:

NM_020949.3(SLC7A14):c.154G>A (p.Val52Ile)

Genes: SLC7A14 (solute carrier family 7 member 14; minus strand), SLC7A14-AS1 (SLC7A14 antisense RNA 1; plus strand). Cytogenetic location: 3q26.2.
Variant type: single nucleotide variant.
Coding change: c.154G>A on transcript NM_020949.3 (MANE Select); coding-DNA position 154, G replaced by A.
Protein change: p.Val52Ile; replaces valine 52 with isoleucine.
Molecular consequence: missense variant.
Genome position (GRCh38, 1-based): chr3:170,526,783, C>T on the plus strand (G>A on the coding strand, the complement: SLC7A14 is on the minus strand). VCF-style: chr3-170526783-C-T. GRCh37 (hg19) VCF-style: chr3-170244572-C-T.
Other names: short protein forms V52I.
Identifiers: ClinVar variation 2047036 (VCV002047036.4), dbSNP rs2108293743, ClinGen allele CA355520116.

ClinVar aggregate classification (germline): Uncertain significance (1 of 4 stars; one submission).

Submission:

Labcorp Genetics (formerly Invitae), Labcorp
Classification: Uncertain significance. Last evaluated: 2021-12-18. Review status: criteria provided, single submitter. Criteria: Invitae Variant Classification Sherloc (09022015). Collection method: clinical testing. Allele origin: germline.
Comment: This sequence change replaces valine, which is neutral and non-polar, with isoleucine, which is neutral and non-polar, at codon 52 of the SLC7A14 protein (p.Val52Ile). This variant is not present in population databases (gnomAD no frequency). This variant has not been reported in the literature in individuals affected with SLC7A14-related conditions. Algorithms developed to predict the effect of missense changes on protein structure and function are either unavailable or do not agree on the potential impact of this missense change (SIFT: "Tolerated"; PolyPhen-2: "Possibly Damaging"; Align-GVGD: "Class C0"). In summary, the available evidence is currently insufficient to determine the role of this variant in disease. Therefore, it has been classified as a Variant of Uncertain Significance.